The following is an entry in ClinVar:

NM_002465.4(MYBPC1):c.191T>C (p.Val64Ala)

Gene: MYBPC1 (myosin binding protein C1; plus strand). Cytogenetic location: 12q23.2.
Variant type: single nucleotide variant.
Coding change: c.191T>C on transcript NM_002465.4 (MANE Select); coding-DNA position 191, T replaced by C.
Protein change: p.Val64Ala; replaces valine 64 with alanine.
Molecular consequence: missense variant.
Genome position (GRCh38, 1-based): chr12:101,629,446, T>C. VCF-style: chr12-101629446-T-C. GRCh37 (hg19) VCF-style: chr12-102023224-T-C.
Other names: c.116T>C, p.Val39Ala (NM_001254718.3, NM_001254719.3, NM_001254721.3 and 4 more transcripts); c.80T>C, p.Val27Ala (NM_001254720.3); c.38T>C, p.Val13Ala (NM_001254722.3, NM_001404677.1, NM_001404679.1 and 2 more transcripts); c.77T>C, p.Val26Ala (NM_001254723.3); c.191T>C, p.Val64Ala (NM_001404675.1, NM_206819.4); short protein forms V64A, V26A, V39A, V13A, V27A.
Identifiers: ClinVar variation 258660 (VCV000258660.14), dbSNP rs149213047, ClinGen allele CA6744444.
Genomic context (GRCh38, chr12:101,629,446, plus strand): 5'-GAAGAGCCTGGCCCTGAAATAATCCTTTTCCTCCTTTCTGCTCATCAGACTGGACCCTTG[T>C]CGAAACTCCTCCTGGGGAGGAACAAGCCAAGCAGAATGCCAACTCCCAGCTGTCCATCTT-3'
Protein context (NP_002456.2, residues 54-74): LERKDSDWTL[Val64Ala]ETPPGEEQAK

ClinVar aggregate classification (germline): Benign/Likely benign. Review status: criteria provided, multiple submitters, no conflicts (2 of 4 stars). 5 submissions from 5 submitters: Benign (4); Likely benign (1). Last evaluated 2026-05-01.

Conditions:
Arthrogryposis, distal, type 1B. Identifiers: Orphanet 1146, MedGen C3280526, MONDO:0013698, OMIM 614335.

Allele frequency attached by ClinVar (database versions not stated): gnomAD 0.00398 and 0.00367; TOPMed 0.00401; 1000 Genomes Project 30x 0.00422; 1000 Genomes Project 0.00439; gnomAD exomes 0.00037 and 0.00087; ExAC 0.00107; ESP Exome Variant Server 0.00392.
gnomAD v4.1: 1,115 of 1,612,232 alleles (0.069%); highest among the groups gnomAD compares: African/African-American, 1.4%; 10 homozygotes.

Submissions (5):

CeGaT Center for Human Genetics Tuebingen
Classification: Likely benign. Last evaluated: 2026-05-01. Review status: criteria provided, single submitter. Criteria: CeGaT Center For Human Genetics Tuebingen Variant Classification Criteria Version 2. Collection method: clinical testing. Allele origin: germline. Affected: yes. Observed: 1 variant allele.
Comment: MYBPC1: BP4, BS1

Labcorp Genetics (formerly Invitae), Labcorp
Classification: Benign. Last evaluated: 2018-07-11. Review status: criteria provided, single submitter. Criteria: Invitae Variant Classification Sherloc (09022015). Collection method: clinical testing. Allele origin: germline.

Illumina Laboratory Services, Illumina
Classification: Benign for Arthrogryposis, distal, type 1B. Last evaluated: 2018-01-13. Review status: criteria provided, single submitter. Criteria: ICSL Variant Classification Criteria 13 December 2019. Collection method: clinical testing. Allele origin: germline.
Comment: This variant was observed in the ICSL laboratory as part of a predisposition screen in an ostensibly healthy population. It had not been previously curated by ICSL or reported in the Human Gene Mutation Database (HGMD: prior to June 1st, 2018), and was therefore a candidate for classification through an automated scoring system. Utilizing variant allele frequency, disease prevalence and penetrance estimates, and inheritance mode, an automated score was calculated to assess if this variant is too frequent to cause the disease. Based on the score and internal cut-off values, a variant classified as benign is not then subjected to further curation. The score for this variant resulted in a classification of benign for this disease.

Breakthrough Genomics
Classification: Benign. Review status: criteria provided, single submitter. Criteria: ACMG Guidelines, 2015. Collection method: not provided. Allele origin: germline. Inheritance: Autosomal recessive inheritance. Affected: yes.

PreventionGenetics, part of Exact Sciences
Classification: Benign. Review status: criteria provided, single submitter. Criteria: ACMG Guidelines, 2015. Collection method: clinical testing. Allele origin: germline.